The following is an entry in ClinVar:

NM_033004.4(NLRP1):c.2474T>C (p.Val825Ala)

Gene: NLRP1 (NLR family pyrin domain containing 1; minus strand). Cytogenetic location: 17p13.2.
Variant type: single nucleotide variant.
Coding change: c.2474T>C on transcript NM_033004.4 (MANE Select); coding-DNA position 2474, T replaced by C.
Protein change: p.Val825Ala; replaces valine 825 with alanine.
Molecular consequence: missense variant.
Genome position (GRCh38, 1-based): chr17:5,553,440, A>G on the plus strand (T>C on the coding strand, the complement: NLRP1 is on the minus strand). VCF-style: chr17-5553440-A-G. GRCh37 (hg19) VCF-style: chr17-5456760-A-G.
Other names: c.2474T>C, p.Val825Ala (NM_001033053.3, NM_014922.5, NM_033006.4 and 1 more transcripts); short protein forms V825A.
Identifiers: ClinVar variation 1947845 (VCV001947845.3), dbSNP rs1479798998, ClinGen allele CA397381349.

ClinVar aggregate classification (germline): Uncertain significance (1 of 4 stars; one submission).

Allele frequency attached by ClinVar (database versions not stated): gnomAD exomes below 0.00001; gnomAD 0.00003; TOPMed 0.00003.
gnomAD v4.1: 11 of 1,614,060 alleles (0.00068%); highest among the groups gnomAD compares: African/African-American, 0.011%; no homozygotes.

Submission:

Labcorp Genetics (formerly Invitae), Labcorp
Classification: Uncertain significance. Last evaluated: 2025-06-11. Review status: criteria provided, single submitter. Criteria: Invitae Variant Classification Sherloc (09022015). Collection method: clinical testing. Allele origin: germline.
Comment: This sequence change replaces valine, which is neutral and non-polar, with alanine, which is neutral and non-polar, at codon 825 of the NLRP1 protein (p.Val825Ala). This variant is present in population databases (no rsID available, gnomAD 0.02%). This variant has not been reported in the literature in individuals affected with NLRP1-related conditions. ClinVar contains an entry for this variant (Variation ID: 1947845). An algorithm developed to predict the effect of missense changes on protein structure and function (PolyPhen-2) suggests that this variant is likely to be disruptive. In summary, the available evidence is currently insufficient to determine the role of this variant in disease. Therefore, it has been classified as a Variant of Uncertain Significance.